The following is an entry in ClinVar:

NM_014629.4(ARHGEF10):c.1137G>A (p.Pro379=)

Gene: ARHGEF10 (Rho guanine nucleotide exchange factor 10; plus strand). Cytogenetic location: 8p23.3.
Variant type: single nucleotide variant.
Coding change: c.1137G>A on transcript NM_014629.4 (MANE Select); coding-DNA position 1137, G replaced by A.
Protein change: p.Pro379=; no amino-acid change (proline 379 retained).
Molecular consequence: synonymous variant.
Genome position (GRCh38, 1-based): chr8:1,885,662, G>A. VCF-style: chr8-1885662-G-A. GRCh37 (hg19) VCF-style: chr8-1833828-G-A.
Other names: c.1023G>A, p.Pro341= (NM_001308152.2); c.1140G>A, p.Pro380= (NM_001308153.3).
Identifiers: ClinVar variation 3025778 (VCV003025778.23), dbSNP rs954203248, ClinGen allele CA170595483.

ClinVar aggregate classification (germline): Likely benign. Review status: criteria provided, multiple submitters, no conflicts (2 of 4 stars). 2 submissions from 2 submitters: Likely benign (2). Last evaluated 2025-04-23.

Allele frequency attached by ClinVar (database versions not stated): gnomAD exomes 0.00001; TOPMed 0.00001.
gnomAD v4.1: 14 of 1,613,986 alleles (0.00087%); highest among the groups gnomAD compares: Admixed American, 0.0033%; no homozygotes.

Submissions (2):

Labcorp Genetics (formerly Invitae), Labcorp
Classification: Likely benign. Last evaluated: 2025-04-23. Review status: criteria provided, single submitter. Criteria: Invitae Variant Classification Sherloc (09022015). Collection method: clinical testing. Allele origin: germline.

CeGaT Center for Human Genetics Tuebingen
Classification: Likely benign. Last evaluated: 2023-12-01. Review status: criteria provided, single submitter. Criteria: CeGaT Center For Human Genetics Tuebingen Variant Classification Criteria Version 2. Collection method: clinical testing. Allele origin: germline. Affected: yes. Observed: 1 variant allele.
Comment: ARHGEF10: BP4, BP7